The following is an entry in ClinVar:

NM_001040142.2(SCN2A):c.3520+11C>T

Gene: SCN2A (sodium voltage-gated channel alpha subunit 2; plus strand). Cytogenetic location: 2q24.3.
Variant type: single nucleotide variant.
Coding change: c.3520+11C>T on transcript NM_001040142.2 (MANE Select); 11 bases into the intron after coding-DNA position 3520, C replaced by T.
Molecular consequence: intron variant.
Genome position (GRCh38, 1-based): chr2:165,365,274, C>T. VCF-style: chr2-165365274-C-T. GRCh37 (hg19) VCF-style: chr2-166221784-C-T.
Other names: c.3520+11C>T (NM_001040143.2, NM_001371246.1, NM_001371247.1 and 1 more transcripts).
Identifiers: ClinVar variation 381701 (VCV000381701.9), dbSNP rs187452739, ClinGen allele CA1940118.

ClinVar aggregate classification (germline): Benign/Likely benign. Review status: criteria provided, multiple submitters, no conflicts (2 of 4 stars). 2 submissions from 2 submitters: Benign (1); Likely benign (1). Last evaluated 2025-12-30.

Conditions:
Seizures, benign familial infantile, 3 (BFIS3). Also called: Familial neonatal seizures; CONVULSIONS, BENIGN FAMILIAL INFANTILE, 3. Identifiers: Orphanet 140927, Orphanet 306, MedGen C1843140, MONDO:0011904, OMIM 607745.
Developmental and epileptic encephalopathy, 11 (DEE11). Also called: Early infantile epileptic encephalopathy 11. Identifiers: Orphanet 1934, MedGen C3150987, MONDO:0013388, OMIM 613721.

Allele frequency attached by ClinVar (database versions not stated): gnomAD 0.00001; gnomAD exomes 0.00006 and 0.00013; TOPMed 0.00008; ExAC 0.00012; 1000 Genomes Project 30x 0.00016; 1000 Genomes Project 0.00020.
gnomAD v4.1: 36 of 1,613,348 alleles (0.0022%); highest among the groups gnomAD compares: Admixed American, 0.057%; no homozygotes.

Submissions (2):

Labcorp Genetics (formerly Invitae), Labcorp
Classification: Benign for Seizures, benign familial infantile, 3; Developmental and epileptic encephalopathy, 11. Last evaluated: 2025-12-30. Review status: criteria provided, single submitter. Criteria: Invitae Variant Classification Sherloc (09022015). Collection method: clinical testing. Allele origin: germline.

GeneDx
Classification: Likely benign. Last evaluated: 2015-11-06. Review status: criteria provided, single submitter. Criteria: GeneDx Variant Classification (06012015). Collection method: clinical testing. Allele origin: germline. Affected: yes.
Comment: This variant is considered likely benign or benign based on one or more of the following criteria: it is a conservative change, it occurs at a poorly conserved position in the protein, it is predicted to be benign by multiple in silico algorithms, and/or has population frequency not consistent with disease.